The following is an entry in ClinVar:

NM_000226.4(KRT9):c.1011C>T (p.Asn337=)

Gene: KRT9 (keratin 9; minus strand). Cytogenetic location: 17q21.2.
Variant type: single nucleotide variant.
Coding change: c.1011C>T on transcript NM_000226.4 (MANE Select); coding-DNA position 1011, C replaced by T.
Protein change: p.Asn337=; no amino-acid change (asparagine 337 retained).
Molecular consequence: synonymous variant.
Genome position (GRCh38, 1-based): chr17:41,569,459, G>A on the plus strand (C>T on the coding strand, the complement: KRT9 is on the minus strand). VCF-style: chr17-41569459-G-A. GRCh37 (hg19) VCF-style: chr17-39725711-G-A.
Identifiers: ClinVar variation 323131 (VCV000323131.39), dbSNP rs143100726, ClinGen allele CA8562070.

ClinVar aggregate classification (germline): Conflicting classifications of pathogenicity. Review status: criteria provided, conflicting classifications (1 of 4 stars). 4 submissions from 4 submitters: Uncertain significance (1); Benign (1); Likely benign (2). Last evaluated 2025-01-08.

Conditions:
Palmoplantar keratoderma, epidermolytic. Also called: Localized epidermolytic hyperkeratosis. Identifiers: MedGen C1721006, MONDO:0968949, HP:0007559.

Allele frequency attached by ClinVar (database versions not stated): ESP Exome Variant Server 0.00069; TOPMed 0.00079.
gnomAD v4.1: 2,042 of 1,614,010 alleles (0.13%); highest among the groups gnomAD compares: South Asian, 0.23%; 3 homozygotes.

Submissions (4):

Labcorp Genetics (formerly Invitae), Labcorp
Classification: Benign. Last evaluated: 2025-01-08. Review status: criteria provided, single submitter. Criteria: Invitae Variant Classification Sherloc (09022015). Collection method: clinical testing. Allele origin: germline.

Blueprint Genetics
Classification: Likely benign. Last evaluated: 2024-09-19. Review status: criteria provided, single submitter. Criteria: ACMG Guidelines, 2015. Collection method: clinical testing. Allele origin: germline.

CeGaT Center for Human Genetics Tuebingen
Classification: Likely benign. Last evaluated: 2024-02-01. Review status: criteria provided, single submitter. Criteria: CeGaT Center For Human Genetics Tuebingen Variant Classification Criteria Version 2. Collection method: clinical testing. Allele origin: germline. Affected: yes. Observed: 2 variant alleles.
Comment: KRT9: BP4, BP7

Illumina Laboratory Services, Illumina
Classification: Uncertain significance for Epidermolytic palmoplantar keratoderma, 1. Last evaluated: 2018-01-13. Review status: criteria provided, single submitter. Criteria: ICSL Variant Classification Criteria 13 December 2019. Collection method: clinical testing. Allele origin: germline.